The following is an entry in ClinVar:

ClinVar aggregate classification (germline): Benign. Review status: criteria provided, multiple submitters, no conflicts (2 of 4 stars). 4 submissions from 2 submitters: Benign (4). Last evaluated 2021-07-01.

Conditions:
Usher syndrome type 1 (USH1). Also called: RETINITIS PIGMENTOSA AND CONGENITAL DEAFNESS. Identifiers: Orphanet 231169, Orphanet 886, MedGen C1568247, MONDO:0010168, OMIM 276900.
Autosomal dominant nonsyndromic hearing loss 11. Identifiers: Orphanet 90635, MedGen C1832475, MONDO:0011032, OMIM 601317.
Autosomal recessive nonsyndromic hearing loss 2. Also called: DEAFNESS, AUTOSOMAL RECESSIVE 2; NEUROSENSORY NONSYNDROMIC RECESSIVE DEAFNESS 2. Identifiers: Orphanet 90636, MedGen C1838701, MONDO:0010807, OMIM 600060.

Allele frequency attached by ClinVar (database versions not stated): TOPMed 0.70162; 1000 Genomes Project 0.72784; 1000 Genomes Project 30x 0.73235.

Submissions (4):

Genome-Nilou Lab
Classification: Benign for Autosomal dominant nonsyndromic hearing loss 11. Last evaluated: 2021-07-01. Review status: criteria provided, single submitter. Criteria: ACMG Guidelines, 2015. Collection method: clinical testing. Allele origin: germline. Affected: no.

Genome-Nilou Lab
Classification: Benign for Autosomal recessive nonsyndromic hearing loss 2. Last evaluated: 2021-07-01. Review status: criteria provided, single submitter. Criteria: ACMG Guidelines, 2015. Collection method: clinical testing. Allele origin: germline. Affected: no.

Genome-Nilou Lab
Classification: Benign for Usher syndrome type 1. Last evaluated: 2021-07-01. Review status: criteria provided, single submitter. Criteria: ACMG Guidelines, 2015. Collection method: clinical testing. Allele origin: germline. Affected: no.

GeneDx
Classification: Benign. Last evaluated: 2018-06-14. Review status: criteria provided, single submitter. Criteria: GeneDx Variant Classification (06012015). Collection method: clinical testing. Allele origin: germline. Affected: yes.
Comment: This variant is considered likely benign or benign based on one or more of the following criteria: it is a conservative change, it occurs at a poorly conserved position in the protein, it is predicted to be benign by multiple in silico algorithms, and/or has population frequency not consistent with disease.

NM_000260.4(MYO7A):c.1554+244T>C

Gene: MYO7A (myosin VIIA; plus strand). Cytogenetic location: 11q13.5.
Variant type: single nucleotide variant.
Coding change: c.1554+244T>C on transcript NM_000260.4 (MANE Select); 244 bases into the intron after coding-DNA position 1554, T replaced by C.
Molecular consequence: intron variant.
Genome position (GRCh38, 1-based): chr11:77,162,574, T>C. VCF-style: chr11-77162574-T-C. GRCh37 (hg19) VCF-style: chr11-76873620-T-C.
Other names: c.1521+244T>C (NM_001369365.1); c.1554+244T>C (NM_001127180.2).
Identifiers: ClinVar variation 670353 (VCV000670353.4), dbSNP rs3740763, ClinGen allele CA15699497.